The following is an entry in ClinVar:

NM_001927.4(DES):c.409G>A (p.Ala137Thr)

Gene: DES (desmin; plus strand). Cytogenetic location: 2q35.
Variant type: single nucleotide variant.
Coding change: c.409G>A on transcript NM_001927.4 (MANE Select); coding-DNA position 409, G replaced by A.
Protein change: p.Ala137Thr; replaces alanine 137 with threonine.
Molecular consequence: missense variant.
Genome position (GRCh38, 1-based): chr2:219,418,871, G>A. VCF-style: chr2-219418871-G-A. GRCh37 (hg19) VCF-style: chr2-220283593-G-A.
Other names: c.409G>A, p.Ala137Thr (NM_001382708.1, NM_001382709.1, NM_001382710.1 and 3 more transcripts); short protein forms A137T.
Identifiers: ClinVar variation 2942772 (VCV002942772.3), dbSNP rs2545247709, ClinGen allele CA350685966.
Genomic context (GRCh38, chr2:219,418,871, plus strand): 5'-GACCGCTTCGCCAACTACATCGAGAAGGTGCGCTTCCTGGAGCAGCAGAACGCGGCGCTC[G>A]CCGCCGAAGTGAACCGGCTCAAGGGCCGCGAGCCGACGCGAGTGGCCGAGCTCTACGAGG-3'
Protein context (NP_001918.3, residues 127-147): RFLEQQNAAL[Ala137Thr]AEVNRLKGRE

ClinVar aggregate classification (germline): Uncertain significance (1 of 4 stars; one submission).

Conditions:
Desmin-related myofibrillar myopathy (MFM1). Also called: MYOFIBRILLAR MYOPATHY WITH ARRHYTHMOGENIC RIGHT VENTRICULAR CARDIOMYOPATHY; DESMIN-RELATED MYOPATHY WITH ARRHYTHMOGENIC RIGHT VENTRICULAR CARDIOMYOPATHY; Myofibrillar myopathy 1; Desminopathy; Desmin related myopathy (former name); Desmin storage myopathy (former name). Identifiers: Orphanet 363543, Orphanet 98909, MedGen C1832370, MONDO:0011076, OMIM 601419.

Submission:

Labcorp Genetics (formerly Invitae), Labcorp
Classification: Uncertain significance for Desmin-related myofibrillar myopathy. Last evaluated: 2023-01-10. Review status: criteria provided, single submitter. Criteria: Invitae Variant Classification Sherloc (09022015). Collection method: clinical testing. Allele origin: germline.
Comment: Advanced modeling of protein sequence and biophysical properties (such as structural, functional, and spatial information, amino acid conservation, physicochemical variation, residue mobility, and thermodynamic stability) performed at Invitae indicates that this missense variant is not expected to disrupt DES protein function. In summary, the available evidence is currently insufficient to determine the role of this variant in disease. Therefore, it has been classified as a Variant of Uncertain Significance. This variant has not been reported in the literature in individuals affected with DES-related conditions. This variant is not present in population databases (gnomAD no frequency). This sequence change replaces alanine, which is neutral and non-polar, with threonine, which is neutral and polar, at codon 137 of the DES protein (p.Ala137Thr).